The following is an entry in ClinVar:

ClinVar aggregate classification (germline): Conflicting classifications of pathogenicity. Review status: criteria provided, conflicting classifications (1 of 4 stars). 2 submissions from 2 submitters: Uncertain significance (1); Likely benign (1). Last evaluated 2026-04-13.

Conditions:
Hereditary cancer-predisposing syndrome. Also called: Hereditary neoplastic syndrome; Neoplastic Syndromes, Hereditary; Tumor predisposition; Hereditary Cancer Syndrome. Identifiers: Orphanet 140162, MedGen C0027672, MeSH D009386, MONDO:0015356.
Renal cell carcinoma. Identifiers: Orphanet 217071, MedGen C0007134, MeSH D002292, MONDO:0005086, HP:0005584.

Allele frequency attached by ClinVar (database versions not stated): ExAC 0.00001; gnomAD exomes below 0.00001.

Submissions (2):

Ambry Genetics
Classification: Likely benign for Hereditary cancer-predisposing syndrome. Last evaluated: 2026-04-13. Review status: criteria provided, single submitter. Criteria: Ambry Variant Classification Scheme 2023. Collection method: clinical testing. Allele origin: germline.

Labcorp Genetics (formerly Invitae), Labcorp
Classification: Uncertain significance for Renal cell carcinoma. Last evaluated: 2025-09-04. Review status: criteria provided, single submitter. Criteria: Invitae Variant Classification Sherloc (09022015). Collection method: clinical testing. Allele origin: germline.
Comment: This sequence change replaces aspartic acid, which is acidic and polar, with histidine, which is basic and polar, at codon 358 of the MET protein (p.Asp358His). This variant is present in population databases (rs758919662, gnomAD 0.0009%). This variant has not been reported in the literature in individuals affected with MET-related conditions. ClinVar contains an entry for this variant (Variation ID: 1035802). Invitae Evidence Modeling of protein sequence and biophysical properties (such as structural, functional, and spatial information, amino acid conservation, physicochemical variation, residue mobility, and thermodynamic stability) indicates that this missense variant is not expected to disrupt MET protein function with a negative predictive value of 80%. In summary, the available evidence is currently insufficient to determine the role of this variant in disease. Therefore, it has been classified as a Variant of Uncertain Significance.

NM_000245.4(MET):c.1072G>C (p.Asp358His)

Gene: MET (MET proto-oncogene, receptor tyrosine kinase; plus strand). Cytogenetic location: 7q31.2.
Variant type: single nucleotide variant.
Coding change: c.1072G>C on transcript NM_000245.4 (MANE Select); coding-DNA position 1072, G replaced by C.
Protein change: p.Asp358His; replaces aspartic acid 358 with histidine.
Molecular consequence: missense variant. On other transcripts: intron variant (1).
Genome position (GRCh38, 1-based): chr7:116,700,156, G>C. VCF-style: chr7-116700156-G-C. GRCh37 (hg19) VCF-style: chr7-116340210-G-C.
Other names: c.1072G>C, p.Asp358His (NM_001127500.3, NM_001324401.3); c.-91+27579G>C (NM_001324402.2); c.1072G>C (NM_001127500.1); short protein forms D358H.
Identifiers: ClinVar variation 1035802 (VCV001035802.11), dbSNP rs758919662, ClinGen allele CA4448064.
Genomic context (GRCh38, chr7:116,700,156, plus strand): 5'-AATGATGACATTCTTTTCGGGGTGTTCGCACAAAGCAAGCCAGATTCTGCCGAACCAATG[G>C]ATCGATCTGCCATGTGTGCATTCCCTATCAAATATGTCAACGACTTCTTCAACAAGATCG-3'
Protein context (NP_000236.2, residues 348-368): QSKPDSAEPM[Asp358His]RSAMCAFPIK